The following is an entry in ClinVar:

NM_201384.3(PLEC):c.9659G>A (p.Arg3220Gln)

Gene: PLEC (plectin; minus strand). Cytogenetic location: 8q24.3.
Variant type: single nucleotide variant.
Coding change: c.9659G>A on transcript NM_201384.3 (MANE Select); coding-DNA position 9659, G replaced by A.
Protein change: p.Arg3220Gln; replaces arginine 3220 with glutamine.
Molecular consequence: missense variant.
Genome position (GRCh38, 1-based): chr8:143,920,162, C>T on the plus strand (G>A on the coding strand, the complement: PLEC is on the minus strand). VCF-style: chr8-143920162-C-T. GRCh37 (hg19) VCF-style: chr8-144994330-C-T.
Other names: c.9740G>A (NM_000445.4, NM_000445.3); c.9740G>A, p.Arg3247Gln (NM_000445.5); c.9617G>A, p.Arg3206Gln (NM_201378.4); c.9593G>A, p.Arg3198Gln (NM_201379.3); c.10070G>A, p.Arg3357Gln (NM_201380.4); c.9563G>A, p.Arg3188Gln (NM_201381.3); c.9659G>A, p.Arg3220Gln (NM_201382.4); c.9671G>A, p.Arg3224Gln (NM_201383.3); short protein forms R3188Q, R3357Q, R3198Q, R3224Q, R3206Q, R3247Q, R3220Q.
Identifiers: ClinVar variation 282137 (VCV000282137.18), dbSNP rs371002664, ClinGen allele CA4924895.

ClinVar aggregate classification (germline): Uncertain significance. Review status: criteria provided, multiple submitters, no conflicts (2 of 4 stars). 6 submissions from 6 submitters: Uncertain significance (6). Last evaluated 2026-07-01.

Conditions:
PLEC-related disorder. Also called: PLEC-related condition; PLEC-related disorders.
Epidermolysis bullosa simplex with nail dystrophy (EBS5D). Identifiers: MedGen C4225309, MONDO:0014661, OMIM 616487.
Epidermolysis bullosa simplex 5C, with pyloric atresia (EBS5C). Also called: PLEC-Related Epidermolysis Bullosa with Pyloric Atresia; PLEC1-Related Epidermolysis Bullosa with Pyloric Atresia; Epidermolysis bullosa simplex with pyloric atresia. Identifiers: Orphanet 158684, MedGen C2677349, MONDO:0012807, OMIM 612138.
Autosomal recessive limb-girdle muscular dystrophy type 2Q (LGMDR17). Also called: MUSCULAR DYSTROPHY, LIMB-GIRDLE, AUTOSOMAL RECESSIVE 17. Identifiers: Orphanet 254361, MedGen C3150989, MONDO:0013390, OMIM 613723.
Epidermolysis bullosa simplex, Ogna type (EBS5A). Also called: Pidermolysis bullosa simplex 5A, Ogna type; EPIDERMOLYSIS BULLOSA SIMPLEX 5A, OGNA TYPE. Identifiers: Orphanet 79401, MedGen C0432317, MONDO:0007555, OMIM 131950.
Epidermolysis bullosa simplex 5B, with muscular dystrophy (EBS5B). Also called: EPIDERMOLYSIS BULLOSA SIMPLEX AND LIMB-GIRDLE MUSCULAR DYSTROPHY; Epidermolysis bullosa simplex with muscular dystrophy. Identifiers: Orphanet 257, MedGen C2931072, MONDO:0009181, OMIM 226670.
Inborn genetic diseases. Identifiers: MedGen C0950123, MeSH D030342.

Allele frequency attached by ClinVar (database versions not stated): ExAC 0.00004; gnomAD exomes 0.00004; TOPMed 0.00006; ESP Exome Variant Server 0.00008.
gnomAD v4.1: 117 of 1,612,422 alleles (0.0073%); highest among the groups gnomAD compares: African/African-American, 0.012%; no homozygotes.

Submissions (6):

CeGaT Center for Human Genetics Tuebingen
Classification: Uncertain significance. Last evaluated: 2026-07-01. Review status: criteria provided, single submitter. Criteria: CeGaT Center For Human Genetics Tuebingen Variant Classification Criteria Version 2. Collection method: clinical testing. Allele origin: germline. Affected: yes. Observed: 1 variant allele.
Comment: PLEC: PM2:Supporting, BP4

PreventionGenetics, part of Exact Sciences
Classification: Uncertain significance for PLEC-related condition. Last evaluated: 2026-05-14. Review status: criteria provided, single submitter. Criteria: ACMG Guidelines, 2015. Collection method: clinical testing. Allele origin: germline.
Comment: The PLEC c.9740G>A variant is predicted to result in the amino acid substitution p.Arg3247Gln. To our knowledge, this variant has not been reported in the literature. This variant is reported in 0.017% of alleles in individuals of African descent in gnomAD. At this time, the clinical significance of this variant is uncertain due to the absence of conclusive functional and genetic evidence.

Labcorp Genetics (formerly Invitae), Labcorp
Classification: Uncertain significance for Autosomal recessive limb-girdle muscular dystrophy type 2Q; Epidermolysis bullosa simplex, Ogna type; Epidermolysis bullosa simplex with nail dystrophy; Epidermolysis bullosa simplex 5C, with pyloric atresia; Epidermolysis bullosa simplex 5B, with muscular dystrophy. Last evaluated: 2025-11-03. Review status: criteria provided, single submitter. Criteria: Invitae Variant Classification Sherloc (09022015). Collection method: clinical testing. Allele origin: germline.
Comment: This sequence change replaces arginine, which is basic and polar, with glutamine, which is neutral and polar, at codon 3247 of the PLEC protein (p.Arg3247Gln). This variant is present in population databases (rs371002664, gnomAD 0.02%). This variant has not been reported in the literature in individuals affected with PLEC-related conditions. ClinVar contains an entry for this variant (Variation ID: 282137). An algorithm developed to predict the effect of missense changes on protein structure and function outputs the following: PolyPhen-2: "Benign". The glutamine amino acid residue is found in multiple mammalian species, which suggests that this missense change does not adversely affect protein function. In summary, the available evidence is currently insufficient to determine the role of this variant in disease. Therefore, it has been classified as a Variant of Uncertain Significance.

Ambry Genetics
Classification: Uncertain significance for Inborn genetic diseases. Last evaluated: 2025-08-29. Review status: criteria provided, single submitter. Criteria: Ambry Variant Classification Scheme 2023. Collection method: clinical testing. Allele origin: germline.

Revvity Omics, Revvity
Classification: Uncertain significance. Last evaluated: 2019-11-11. Review status: criteria provided, single submitter. Criteria: ACMG Guidelines, 2015. Collection method: clinical testing. Allele origin: germline.

Eurofins Ntd Llc (ga)
Classification: Uncertain significance. Last evaluated: 2015-07-21. Review status: criteria provided, single submitter. Criteria: EGL Classification Definitions 2015. Collection method: clinical testing. Allele origin: germline. Observed: 1 variant allele, 1 heterozygote.